The following is an entry in ClinVar:

ClinVar aggregate classification (germline): Likely pathogenic (1 of 4 stars; one submission).

Submission:

GeneDx
Classification: Likely pathogenic. Last evaluated: 2025-04-01. Review status: criteria provided, single submitter. Criteria: GeneDx Variant Classification Process June 2021. Collection method: clinical testing. Allele origin: germline. Affected: yes.
Comment: Observed in unrelated patients with short stature and/or Madelung deformity in published literature and referred for genetic testing at GeneDx (PMID: 15931687); Published functional studies demonstrate a damaging effect on DNA binding (PMID: 15931687, 24887312); In silico analysis supports that this missense variant has a deleterious effect on protein structure/function; Not observed at significant frequency in large population cohorts (gnomAD); This variant is associated with the following publications: (PMID: 21273290, 24887312, 34122528, 15931687)

NM_000451.4(SHOX):c.421T>G (p.Tyr141Asp)

Genes: SHOX (SHOX homeobox; plus strand), LOC107652445 (meiotic recombination hotspot SHOX; plus strand). Cytogenetic location: Yp11.2.
Variant type: single nucleotide variant.
Coding change: c.421T>G on transcript NM_000451.4 (MANE Select); coding-DNA position 421, T replaced by G.
Protein change: p.Tyr141Asp; replaces tyrosine 141 with aspartic acid.
Molecular consequence: missense variant.
Genome position (GRCh38, 1-based): chrX:634,761, T>G. VCF-style: chrX-634761-T-G. GRCh37 (hg19) VCF-style: chrX-595496-T-G.
Other names: c.421T>G, p.Tyr141Asp (NM_006883.2); short protein forms Y141D.
Identifiers: ClinVar variation 1678773 (VCV001678773.3), dbSNP rs2124165905, ClinGen allele CA412231455.